The following is an entry in ClinVar:

NC_000001.11:g.170532153G>T

Genes: GORAB-AS1 (GORAB antisense RNA 1; minus strand), GORAB (golgin, RAB6 interacting; plus strand). Cytogenetic location: 1q24.2.
Variant type: single nucleotide variant.
Genome position: GRCh38 VCF-style: chr1-170532153-G-T. GRCh37 (hg19) VCF-style: chr1-170501294-G-T.
Other names: short protein forms S2I.
Identifiers: ClinVar variation 1521667 (VCV001521667.7), dbSNP rs148313748, ClinGen allele CA1238965.

ClinVar aggregate classification (germline): Uncertain significance. Review status: criteria provided, multiple submitters, no conflicts (2 of 4 stars). 3 submissions from 3 submitters: Uncertain significance (3). Last evaluated 2024-04-06.

Conditions:
Geroderma osteodysplastica (GO). Also called: WALT DISNEY DWARFISM; Geroderma osteodysplasticum. Identifiers: Orphanet 2078, MedGen C0432255, MONDO:0009271, OMIM 231070.
Inborn genetic diseases. Identifiers: MedGen C0950123, MeSH D030342.

Allele frequency attached by ClinVar (database versions not stated): gnomAD 0.00001; TOPMed 0.00003; ExAC 0.00002; gnomAD exomes 0.00002; ESP Exome Variant Server 0.00008.

Submissions (3):

Ambry Genetics
Classification: Uncertain significance for Inborn genetic diseases. Last evaluated: 2024-04-06. Review status: criteria provided, single submitter. Criteria: Ambry Variant Classification Scheme 2023. Collection method: clinical testing. Allele origin: germline.

Genome-Nilou Lab
Classification: Uncertain significance for Geroderma osteodysplastica. Last evaluated: 2023-04-11. Review status: criteria provided, single submitter. Criteria: ACMG Guidelines, 2015. Collection method: clinical testing. Allele origin: germline. Affected: no.

Labcorp Genetics (formerly Invitae), Labcorp
Classification: Uncertain significance. Last evaluated: 2021-09-01. Review status: criteria provided, single submitter. Criteria: Invitae Variant Classification Sherloc (09022015). Collection method: clinical testing. Allele origin: germline.
Comment: This sequence change replaces serine with isoleucine at codon 2 of the GORAB protein (p.Ser2Ile). The serine residue is weakly conserved and there is a large physicochemical difference between serine and isoleucine. This variant is present in population databases (rs148313748, ExAC 0.005%). This variant has not been reported in the literature in individuals affected with GORAB-related conditions. Algorithms developed to predict the effect of missense changes on protein structure and function (SIFT, PolyPhen-2, Align-GVGD) all suggest that this variant is likely to be tolerated. In summary, the available evidence is currently insufficient to determine the role of this variant in disease. Therefore, it has been classified as a Variant of Uncertain Significance.